The following is an entry in ClinVar:

NM_000405.5(GM2A):c.*226C>T

Gene: GM2A (ganglioside GM2 activator; plus strand). Cytogenetic location: 5q33.1.
Variant type: single nucleotide variant.
Coding change: c.*226C>T on transcript NM_000405.5 (MANE Select); 226 bases downstream of the stop codon, C replaced by T.
Molecular consequence: 3 prime UTR variant.
Genome position (GRCh38, 1-based): chr5:151,267,677, C>T. VCF-style: chr5-151267677-C-T. GRCh37 (hg19) VCF-style: chr5-150647238-C-T.
Other names: c.*37C>T (NM_001167607.3).
Identifiers: ClinVar variation 352258 (VCV000352258.6), dbSNP rs537947985, ClinGen allele CA3518031.

ClinVar aggregate classification (germline): Likely benign. Review status: criteria provided, multiple submitters, no conflicts (2 of 4 stars). 2 submissions from 2 submitters: Likely benign (2). Last evaluated 2018-01-13.

Conditions:
Tay-Sachs disease, variant AB. Also called: GM2 Activator Deficiency; Gm2-gangliosidosis, ab variant. Identifiers: Orphanet 309246, MedGen C0268275, MONDO:0010099, OMIM 272750.

Allele frequency attached by ClinVar (database versions not stated): 1000 Genomes Project 30x 0.00094; 1000 Genomes Project 0.00100; gnomAD 0.00255; TOPMed 0.00260; gnomAD exomes 0.00284; ExAC 0.00361.
gnomAD v4.1: 6,845 of 1,486,800 alleles (0.46%); highest among the groups gnomAD compares: Non-Finnish European, 0.55%; 31 homozygotes.

Submissions (2):

Illumina Laboratory Services, Illumina
Classification: Likely benign for Tay-Sachs disease, variant AB. Last evaluated: 2018-01-13. Review status: criteria provided, single submitter. Criteria: ICSL Variant Classification Criteria 13 December 2019. Collection method: clinical testing. Allele origin: germline.
Comment: This variant was observed in the ICSL laboratory as part of a predisposition screen in an ostensibly healthy population. It had not been previously curated by ICSL or reported in the Human Gene Mutation Database (HGMD: prior to June 1st, 2018), and was therefore a candidate for classification through an automated scoring system. Utilizing variant allele frequency, disease prevalence and penetrance estimates, and inheritance mode, an automated score was calculated to assess if this variant is too frequent to cause the disease. Based on the score and internal cut-off values, a variant classified as likely benign is not then subjected to further curation. The score for this variant resulted in a classification of likely benign for this disease.

Breakthrough Genomics
Classification: Likely benign. Review status: criteria provided, single submitter. Criteria: ACMG Guidelines, 2015. Collection method: not provided. Allele origin: germline. Inheritance: Autosomal recessive inheritance. Affected: yes.